The following is an entry in ClinVar:

ClinVar aggregate classification (germline): Uncertain significance (1 of 4 stars; one submission).

Allele frequency attached by ClinVar (database versions not stated): TOPMed 0.00002; gnomAD 0.00005; gnomAD exomes 0.00007 and 0.00013; ExAC 0.00015.
gnomAD v4.1: 116 of 1,614,214 alleles (0.0072%); highest among the groups gnomAD compares: South Asian, 0.12%; no homozygotes.

Submission:

Labcorp Genetics (formerly Invitae), Labcorp
Classification: Uncertain significance. Last evaluated: 2022-07-12. Review status: criteria provided, single submitter. Criteria: Invitae Variant Classification Sherloc (09022015). Collection method: clinical testing. Allele origin: germline.
Comment: In summary, the available evidence is currently insufficient to determine the role of this variant in disease. Therefore, it has been classified as a Variant of Uncertain Significance. Algorithms developed to predict the effect of missense changes on protein structure and function output the following: SIFT: "Tolerated"; PolyPhen-2: "Not Available"; Align-GVGD: "Class C0". The aspartic acid amino acid residue is found in multiple mammalian species, which suggests that this missense change does not adversely affect protein function. ClinVar contains an entry for this variant (Variation ID: 1509649). This variant has not been reported in the literature in individuals affected with MARVELD2-related conditions. This variant is present in population databases (rs765300957, gnomAD 0.1%). This sequence change replaces asparagine, which is neutral and polar, with aspartic acid, which is acidic and polar, at codon 3 of the MARVELD2 protein (p.Asn3Asp).

NM_001038603.3(MARVELD2):c.7A>G (p.Asn3Asp)

Gene: MARVELD2 (MARVEL domain containing 2; plus strand). Cytogenetic location: 5q13.2.
Variant type: single nucleotide variant.
Coding change: c.7A>G on transcript NM_001038603.3 (MANE Select); coding-DNA position 7, A replaced by G.
Protein change: p.Asn3Asp; replaces asparagine 3 with aspartic acid.
Molecular consequence: missense variant.
Genome position (GRCh38, 1-based): chr5:69,419,392, A>G. VCF-style: chr5-69419392-A-G. GRCh37 (hg19) VCF-style: chr5-68715219-A-G.
Other names: c.7A>G, p.Asn3Asp (NM_001244734.2); short protein forms N3D.
Identifiers: ClinVar variation 1509649 (VCV001509649.9), dbSNP rs765300957, ClinGen allele CA3293941.
Genomic context (GRCh38, chr5:69,419,392, plus strand): 5'-GTAACTAATCATAAGTGATAACTTTAAATTTGGCCACAGGTGTGAAAATCACAAATGTCA[A>G]ATGATGGAAGATCCAGGAATCGGGACAGGCGCTACGATGAGGTCCCAAGCGACCTGCCCT-3'
Protein context (NP_001033692.2, residues 1-13): MS[Asn3Asp]DGRSRNRDRR